The following is an entry in ClinVar:

ClinVar aggregate classification (germline): Pathogenic/Likely pathogenic. Review status: criteria provided, multiple submitters, no conflicts (2 of 4 stars). 4 submissions from 4 submitters: Pathogenic (2); Likely pathogenic (1). 1 of the submissions does not count toward it. Last evaluated 2025-05-06.

Conditions:
Donnai-Barrow syndrome. Also called: DBS/FOAR SYNDROME; FACIOOCULOACOUSTICORENAL SYNDROME. Identifiers: Orphanet 2143, MedGen C1857277, MONDO:0009104, OMIM 222448.

gnomAD v4.1: 5 of 1,613,940 alleles (0.00031%); highest among the groups gnomAD compares: Non-Finnish European, 0.00042%; no homozygotes.

Submissions (4):

Myriad Genetics, Inc.
Classification: Pathogenic for Donnai-Barrow syndrome. Last evaluated: 2025-05-06. Review status: criteria provided, single submitter. Criteria: Myriad Autosomal Dominant, Autosomal Recessive and X-Linked Classification Criteria (2023). Collection method: clinical testing. Allele origin: unknown.
Comment: NM_004525.2(LRP2):c.832C>T(R278*) is expected to be pathogenic in the context of Donnai-Barrow syndrome. This variant is predicted to lead to an abnormal or absent protein product due to the creation of a premature termination codon in LRP2, a gene where loss-of-function variants are known to be pathogenic. Please note: this variant was assessed in the context of healthy population screening.

Labcorp Genetics (formerly Invitae), Labcorp
Classification: Pathogenic. Last evaluated: 2024-02-27. Review status: criteria provided, single submitter. Criteria: Invitae Variant Classification Sherloc (09022015). Collection method: clinical testing. Allele origin: germline.
Comment: This sequence change creates a premature translational stop signal (p.Arg278*) in the LRP2 gene. It is expected to result in an absent or disrupted protein product. Loss-of-function variants in LRP2 are known to be pathogenic (PMID: 17632512, 25682901). This variant is not present in population databases (gnomAD no frequency). This variant has not been reported in the literature in individuals affected with LRP2-related conditions. ClinVar contains an entry for this variant (Variation ID: 625857). For these reasons, this variant has been classified as Pathogenic.

Fulgent Genetics
Classification: Likely pathogenic for Donnai-Barrow syndrome. Last evaluated: 2021-11-08. Review status: criteria provided, single submitter. Criteria: ACMG Guidelines, 2015. Collection method: clinical testing. Allele origin: unknown.

Institute of Human Genetics, Cologne University
Classification: Pathogenic for Donnai-Barrow syndrome. Review status: no assertion criteria provided. Collection method: clinical testing. Allele origin: unknown. Inheritance: Autosomal recessive inheritance. Affected: yes. Observed: 1 compound heterozygote. Not counted in ClinVar's aggregate classification.

Literature cited by the submitters: PubMed 17632512 (cited by Labcorp Genetics (formerly Invitae), Labcorp); PubMed 25682901 (cited by Labcorp Genetics (formerly Invitae), Labcorp).

NM_004525.3(LRP2):c.832C>T (p.Arg278Ter)

Gene: LRP2 (LDL receptor related protein 2; minus strand). Cytogenetic location: 2q31.1.
Variant type: single nucleotide variant.
Coding change: c.832C>T on transcript NM_004525.3 (MANE Select); coding-DNA position 832, C replaced by T.
Protein change: p.Arg278Ter; replaces arginine 278 with a stop codon.
Molecular consequence: nonsense.
Genome position (GRCh38, 1-based): chr2:169,290,935, G>A on the plus strand (C>T on the coding strand, the complement: LRP2 is on the minus strand). VCF-style: chr2-169290935-G-A. GRCh37 (hg19) VCF-style: chr2-170147445-G-A.
Other names: short protein forms R278*.
Identifiers: ClinVar variation 625857 (VCV000625857.6), dbSNP rs1358532875, ClinGen allele CA349158130.